The following is an entry in ClinVar:

ClinVar aggregate classification (germline): Uncertain significance (1 of 4 stars; one submission).

Conditions:
Familial intrahepatic cholestasis. Identifiers: Orphanet 284385, MedGen CN296401, MONDO:0017290.

Submission:

Genomenon, Inc
Classification: Uncertain significance for Familial intrahepatic cholestasis. Last evaluated: 2026-04-14. Review status: criteria provided, single submitter. Criteria: Genomenon Sequence Variant Interpretation Standards - Updated. Collection method: curation. Allele origin: germline. Affected: yes.
Comment: ABCB11 p.Ala212Thr (c.634G>A) is a missense variant that changes the amino acid at residue 212 from Alanine to Threonine. This variant has been observed in at least one proband with an ABCB11-related disorder (PMID:26382629;32808743). It is absent or not present at a significant frequency in gnomAD. In silico models predict that this variant is possibly or probably damaging. In conclusion, we classify ABCB11 p.Ala212Thr (c.634G>A) as a variant of uncertain significance.

Literature cited by the submitters: PubMed 26382629; PubMed 32808743.

NM_003742.4(ABCB11):c.634G>A (p.Ala212Thr)

Gene: ABCB11 (ATP binding cassette subfamily B member 11; minus strand). Cytogenetic location: 2q31.1.
Variant type: single nucleotide variant.
Coding change: c.634G>A on transcript NM_003742.4 (MANE Select); coding-DNA position 634, G replaced by A.
Protein change: p.Ala212Thr; replaces alanine 212 with threonine.
Molecular consequence: missense variant.
Genome position (GRCh38, 1-based): chr2:168,993,860, C>T on the plus strand (G>A on the coding strand, the complement: ABCB11 is on the minus strand). VCF-style: chr2-168993860-C-T. GRCh37 (hg19) VCF-style: chr2-169850370-C-T.
Other names: short protein forms A212T.
Identifiers: ClinVar variation 4845940 (VCV004845940.1).